The following is an entry in ClinVar:

ClinVar aggregate classification (germline): Likely pathogenic (1 of 4 stars; one submission).

Conditions:
Intellectual developmental disorder, autosomal dominant 72 (MRD72). Identifiers: Orphanet 652487, MedGen C5830612, MONDO:0957397, OMIM 620439.

Submission:

Juno Genomics, Hangzhou Juno Genomics, Inc
Classification: Likely pathogenic for Intellectual developmental disorder, autosomal dominant 72. Review status: criteria provided, single submitter. Criteria: ACMG Guidelines, 2015. Collection method: clinical testing. Allele origin: germline. Affected: yes.
Comment: Absent from controls (or at extremely low frequency if recessive) in Genome Aggregation Database, Exome Sequencing Project, 1000 Genomes Project, or Exome Aggregation Consortium.;Null variant in a gene where loss of function (LOF) is a known mechanism of disease.

NM_016333.4(SRRM2):c.1534C>T (p.Gln512Ter)

Gene: SRRM2 (serine/arginine repetitive matrix 2; plus strand). Cytogenetic location: 16p13.3.
Variant type: single nucleotide variant.
Coding change: c.1534C>T on transcript NM_016333.4 (MANE Select); coding-DNA position 1534, C replaced by T.
Protein change: p.Gln512Ter; replaces glutamine 512 with a stop codon.
Molecular consequence: nonsense.
Genome position (GRCh38, 1-based): chr16:2,762,062, C>T. VCF-style: chr16-2762062-C-T. GRCh37 (hg19) VCF-style: chr16-2812063-C-T.
Other names: short protein forms Q512*.
Identifiers: ClinVar variation 3764727 (VCV003764727.2).